The following is an entry in ClinVar:

NM_024884.3(L2HGDH):c.547A>G (p.Met183Val)

Gene: L2HGDH (L-2-hydroxyglutarate dehydrogenase; minus strand). Cytogenetic location: 14q21.3.
Variant type: single nucleotide variant.
Coding change: c.547A>G on transcript NM_024884.3 (MANE Select); coding-DNA position 547, A replaced by G.
Protein change: p.Met183Val; replaces methionine 183 with valine.
Molecular consequence: missense variant.
Genome position (GRCh38, 1-based): chr14:50,284,027, T>C on the plus strand (A>G on the coding strand, the complement: L2HGDH is on the minus strand). VCF-style: chr14-50284027-T-C. GRCh37 (hg19) VCF-style: chr14-50750745-T-C.
Other names: c.547A>G (NM_024884.2); short protein forms M183V.
Identifiers: ClinVar variation 1401425 (VCV001401425.10), dbSNP rs540187537, ClinGen allele CA7177973.

ClinVar aggregate classification (germline): Uncertain significance. Review status: criteria provided, multiple submitters, no conflicts (2 of 4 stars). 3 submissions from 3 submitters: Uncertain significance (3). Last evaluated 2025-08-29.

Conditions:
L-2-hydroxyglutaric aciduria (L2HGA). Identifiers: Orphanet 79314, MedGen C1855995, MONDO:0009370, OMIM 236792, HP:0040144.
Inborn genetic diseases. Identifiers: MedGen C0950123, MeSH D030342.

Allele frequency attached by ClinVar (database versions not stated): gnomAD 0.00005; gnomAD exomes 0.00005; ExAC 0.00007; 1000 Genomes Project 30x 0.00031; 1000 Genomes Project 0.00040.

Submissions (3):

Ambry Genetics
Classification: Uncertain significance for Inborn genetic diseases. Last evaluated: 2025-08-29. Review status: criteria provided, single submitter. Criteria: Ambry Variant Classification Scheme 2023. Collection method: clinical testing. Allele origin: germline.

Blueprint Genetics
Classification: Uncertain significance. Last evaluated: 2022-01-20. Review status: criteria provided, single submitter. Criteria: ACMG Guidelines, 2015. Collection method: clinical testing. Allele origin: germline.

Labcorp Genetics (formerly Invitae), Labcorp
Classification: Uncertain significance for L-2-hydroxyglutaric aciduria. Last evaluated: 2021-11-23. Review status: criteria provided, single submitter. Criteria: Invitae Variant Classification Sherloc (09022015). Collection method: clinical testing. Allele origin: germline.
Comment: This variant has not been reported in the literature in individuals affected with L2HGDH-related conditions. This variant is present in population databases (rs540187537, gnomAD 0.04%). This sequence change replaces methionine, which is neutral and non-polar, with valine, which is neutral and non-polar, at codon 183 of the L2HGDH protein (p.Met183Val). Algorithms developed to predict the effect of missense changes on protein structure and function (SIFT, PolyPhen-2, Align-GVGD) all suggest that this variant is likely to be tolerated. In summary, the available evidence is currently insufficient to determine the role of this variant in disease. Therefore, it has been classified as a Variant of Uncertain Significance.